The following is an entry in ClinVar:

ClinVar aggregate classification (germline): Pathogenic/Likely pathogenic. Review status: criteria provided, multiple submitters, no conflicts (2 of 4 stars). 3 submissions from 3 submitters: Pathogenic (2); Likely pathogenic (1). Last evaluated 2026-09-08.

Conditions:
Fabry disease. Also called: ALPHA-GALACTOSIDASE A DEFICIENCY; ANDERSON-FABRY DISEASE; CERAMIDE TRIHEXOSIDASE DEFICIENCY; GLA DEFICIENCY; HEREDITARY DYSTOPIC LIPIDOSIS; Ceramide trihexosidosis. Identifiers: Orphanet 324, MedGen C0002986, MONDO:0010526, OMIM 301500, HP:0001071. Disease mechanism: Fabry disease is due to inactivating mutations in the X-linked GLA gene resulting in deficiency of the enzyme Alpha Galactosidase-A., loss of function.

Submissions (3):

Genomenon, Inc
Classification: Likely pathogenic for Fabry disease. Last evaluated: 2026-09-08. Review status: criteria provided, single submitter. Criteria: Genomenon Sequence Variant Interpretation Standards - Updated. Collection method: curation. Allele origin: germline. Affected: yes.
Comment: GLA p.Asp244Asn (c.730G>A) is a missense variant that changes the amino acid at codon 244 from Aspartic acid to Asparagine. This variant has been observed in at least one proband with clinical features consistent with Fabry disease (PMID:30972193;15091117;40722783;30723321;36406818;27657681;31242288;33437642;32127409;28069318;35743707;21890869). Functional or patient cell studies have been reported (PMID:22773828;24386359;21598360;30723321;37626912;19387866;27657681;21890869;27083555;28069318). This variant is located in a mutational hotspot and/or important functional domain. It is absent or not present at a significant frequency in gnomAD. In conclusion, we classify GLA p.Asp244Asn (c.730G>A) as a likely pathogenic variant.

Labcorp Genetics (formerly Invitae), Labcorp
Classification: Pathogenic for Fabry disease. Last evaluated: 2022-06-18. Review status: criteria provided, single submitter. Criteria: Invitae Variant Classification Sherloc (09022015). Collection method: clinical testing. Allele origin: germline.
Comment: For these reasons, this variant has been classified as Pathogenic. Experimental studies have shown that this missense change affects GLA function (PMID: 19387866, 21598360, 22773828). Algorithms developed to predict the effect of missense changes on protein structure and function (SIFT, PolyPhen-2, Align-GVGD) all suggest that this variant is likely to be tolerated. ClinVar contains an entry for this variant (Variation ID: 167139). This missense change has been observed in individuals with Fabry disease (PMID: 7531540, 15091117, 33437642). This variant is not present in population databases (gnomAD no frequency). This sequence change replaces aspartic acid, which is acidic and polar, with asparagine, which is neutral and polar, at codon 244 of the GLA protein (p.Asp244Asn).

Eurofins Ntd Llc (ga)
Classification: Pathogenic. Last evaluated: 2014-03-06. Review status: criteria provided, single submitter. Criteria: EGL Classification Definitions 2015. Collection method: clinical testing. Allele origin: germline. Observed: 1 variant allele, 1 heterozygote.

Literature cited by the submitters: PubMed 30972193 (cited by Genomenon, Inc); PubMed 15091117 (cited by Genomenon, Inc and Labcorp Genetics (formerly Invitae), Labcorp); PubMed 40722783 (cited by Genomenon, Inc); PubMed 30723321 (cited by Genomenon, Inc); PubMed 36406818 (cited by Genomenon, Inc); PubMed 27657681 (cited by Genomenon, Inc); PubMed 31242288 (cited by Genomenon, Inc); PubMed 33437642 (cited by Genomenon, Inc and Labcorp Genetics (formerly Invitae), Labcorp); PubMed 32127409 (cited by Genomenon, Inc); PubMed 28069318 (cited by Genomenon, Inc); PubMed 35743707 (cited by Genomenon, Inc); PubMed 21890869 (cited by Genomenon, Inc); PubMed 22773828 (cited by Genomenon, Inc and Labcorp Genetics (formerly Invitae), Labcorp); PubMed 24386359 (cited by Genomenon, Inc); PubMed 21598360 (cited by Genomenon, Inc and Labcorp Genetics (formerly Invitae), Labcorp); PubMed 37626912 (cited by Genomenon, Inc); PubMed 19387866 (cited by Genomenon, Inc and Labcorp Genetics (formerly Invitae), Labcorp); PubMed 27083555 (cited by Genomenon, Inc); PubMed 7531540 (cited by Labcorp Genetics (formerly Invitae), Labcorp).

NC_000023.11:g.101398856C>T

Genes: GLA (galactosidase alpha; minus strand), RPL36A-HNRNPH2 (RPL36A-HNRNPH2 readthrough; plus strand). Cytogenetic location: Xq22.1.
Variant type: single nucleotide variant.
Molecular consequence: intron variant (on NM_001199973.2).
Genome position: GRCh38 VCF-style: chrX-101398856-C-T. GRCh37 (hg19) VCF-style: chrX-100653844-C-T.
Other names: c.730G>A, p.Asp244Asn (LRG_672t1); c.300+3399C>T (NM_001199973.2); c.177+7034C>T (NM_001199974.2); c.730G>A (NM_000169.3).
Identifiers: ClinVar variation 167139 (VCV000167139.12), dbSNP rs727503948, ClinGen allele CA022025.